The following is an entry in ClinVar:

ClinVar aggregate classification (germline): Likely pathogenic (1 of 4 stars; one submission).

Conditions:
Epilepsy, familial focal, with variable foci 1 (FFEVF1). Also called: DEPDC5-Related Epilepsy. Identifiers: MedGen C4551983, MONDO:0024556, OMIM 604364.

Submission:

MVZ Medizinische Genetik Mainz
Classification: Likely pathogenic for Epilepsy, familial focal, with variable foci 1. Last evaluated: 2023-01-12. Review status: criteria provided, single submitter. Criteria: UK Practice Guidelines For Variant Classification V4 01 2020. Collection method: clinical testing. Allele origin: germline. Inheritance: Autosomal dominant inheritance. Affected: yes. Observed: 1 variant allele.
Comment: ACMG Criteria: PVS1, PM2_SUP (ACMG Version 4)

NM_001242896.3(DEPDC5):c.3586G>T (p.Glu1196Ter)

Gene: DEPDC5 (DEP domain containing 5, GATOR1 subcomplex subunit; plus strand). Cytogenetic location: 22q12.3.
Variant type: single nucleotide variant.
Coding change: c.3586G>T on transcript NM_001242896.3 (MANE Select); coding-DNA position 3586, G replaced by T.
Protein change: p.Glu1196Ter; replaces glutamic acid 1196 with a stop codon.
Molecular consequence: nonsense. On other transcripts: non-coding transcript variant (4).
Genome position (GRCh38, 1-based): chr22:31,874,295, G>T. VCF-style: chr22-31874295-G-T. GRCh37 (hg19) VCF-style: chr22-32270281-G-T.
Other names: c.3559G>T, p.Glu1187Ter (NM_001136029.4); c.3286G>T, p.Glu1096Ter (NM_001242897.2); c.3520G>T, p.Glu1174Ter (NM_001363852.2, NM_001364320.2); c.3352G>T, p.Glu1118Ter (NM_001363854.2, NM_001364319.2); c.3586G>T, p.Glu1196Ter (NM_001364318.2); c.3502G>T, p.Glu1168Ter (NM_001369901.1, NM_001369902.1); c.3493G>T, p.Glu1165Ter (NM_001369903.1, NM_014662.6); short protein forms E1096*, E1118*, E1165*, E1168*, E1174*, E1187*, E1196*.
Identifiers: ClinVar variation 3236125 (VCV003236125.1), dbSNP rs2522414074, ClinGen allele CA411277688.